The following is an entry in ClinVar:

ClinVar aggregate classification (germline): Uncertain significance (1 of 4 stars; one submission).

Conditions:
Inborn genetic diseases. Identifiers: MedGen C0950123, MeSH D030342.

Submission:

Ambry Genetics
Classification: Uncertain significance for Inborn genetic diseases. Last evaluated: 2023-02-07. Review status: criteria provided, single submitter. Criteria: Ambry Variant Classification Scheme 2023. Collection method: clinical testing. Allele origin: germline.
Comment: The p.K301N variant (also known as c.903G>T), located in coding exon 9 of the MDH2 gene, results from a G to T substitution at nucleotide position 903. The lysine at codon 301 is replaced by asparagine, an amino acid with similar properties. This amino acid position is conserved. In addition, the in silico prediction for this alteration is inconclusive. Since supporting evidence is limited at this time, the clinical significance of this alteration remains unclear.

NM_005918.4(MDH2):c.903G>T (p.Lys301Asn)

Gene: MDH2 (malate dehydrogenase 2; plus strand). Cytogenetic location: 7q11.23.
Variant type: single nucleotide variant.
Coding change: c.903G>T on transcript NM_005918.4 (MANE Select); coding-DNA position 903, G replaced by T.
Protein change: p.Lys301Asn; replaces lysine 301 with asparagine.
Molecular consequence: missense variant.
Genome position (GRCh38, 1-based): chr7:76,066,296, G>T. VCF-style: chr7-76066296-G-T. GRCh37 (hg19) VCF-style: chr7-75695614-G-T.
Other names: c.777G>T, p.Lys259Asn (NM_001282403.2); c.582G>T, p.Lys194Asn (NM_001282404.2); short protein forms K301N, K259N, K194N.
Identifiers: ClinVar variation 2447841 (VCV002447841.2), dbSNP rs2535875570, ClinGen allele CA367769670.